The following is an entry in ClinVar:

NM_001458.5(FLNC):c.6809A>T (p.Glu2270Val)

Genes: FLNC (filamin C; plus strand), FLNC-AS1 (FLNC antisense RNA 1; minus strand). Cytogenetic location: 7q32.1.
Variant type: single nucleotide variant.
Coding change: c.6809A>T on transcript NM_001458.5 (MANE Select); coding-DNA position 6809, A replaced by T.
Protein change: p.Glu2270Val; replaces glutamic acid 2270 with valine.
Molecular consequence: missense variant.
Genome position (GRCh38, 1-based): chr7:128,854,494, A>T. VCF-style: chr7-128854494-A-T. GRCh37 (hg19) VCF-style: chr7-128494548-A-T.
Other names: c.6710A>T, p.Glu2237Val (NM_001127487.2); short protein forms E2237V, E2270V.
Identifiers: ClinVar variation 970837 (VCV000970837.17), dbSNP rs780658670, ClinGen allele CA166191695.

ClinVar aggregate classification (germline): Conflicting classifications of pathogenicity. Review status: criteria provided, conflicting classifications (1 of 4 stars). 4 submissions from 4 submitters: Uncertain significance (3); Likely benign (1). Last evaluated 2025-10-23.

Conditions:
Myofibrillar myopathy 5. Also called: Filaminopathy (type); FILAMINOPATHY, AUTOSOMAL DOMINANT. Identifiers: Orphanet 171445, MedGen C1836050, MONDO:0012289, OMIM 609524.
Distal myopathy with posterior leg and anterior hand involvement. Also called: WILLIAMS DISTAL MYOPATHY. Identifiers: Orphanet 63273, MedGen C3279722, MONDO:0013550, OMIM 614065.
Hypertrophic cardiomyopathy 26. Also called: Cardiomyopathy, familial hypertrophic, 26. Identifiers: Orphanet 75249, MedGen C4310749, MONDO:0014883, OMIM 617047.
Cardiovascular phenotype. Identifiers: MedGen CN230736.

Allele frequency attached by ClinVar (database versions not stated): gnomAD exomes 0.00001.
gnomAD v4.1: 3 of 1,606,168 alleles (0.00019%); highest among the groups gnomAD compares: Admixed American, 0.0034%; no homozygotes.

Submissions (4):

Ambry Genetics
Classification: Uncertain significance for Cardiovascular phenotype. Last evaluated: 2025-10-23. Review status: criteria provided, single submitter. Criteria: Ambry Variant Classification Scheme 2023. Collection method: clinical testing. Allele origin: germline.
Comment: The p.E2270V variant (also known as c.6809A>T), located in coding exon 41 of the FLNC gene, results from an A to T substitution at nucleotide position 6809. The glutamic acid at codon 2270 is replaced by valine, an amino acid with dissimilar properties. This amino acid position is well conserved in available vertebrate species. In addition, the in silico prediction for this alteration is inconclusive. Since supporting evidence is limited at this time, the clinical significance of this alteration remains unclear.

Labcorp Genetics (formerly Invitae), Labcorp
Classification: Likely benign for Distal myopathy with posterior leg and anterior hand involvement; Myofibrillar myopathy 5; Hypertrophic cardiomyopathy 26. Last evaluated: 2025-07-03. Review status: criteria provided, single submitter. Criteria: Invitae Variant Classification Sherloc (09022015). Collection method: clinical testing. Allele origin: germline.

GeneDx
Classification: Uncertain significance. Last evaluated: 2023-09-20. Review status: criteria provided, single submitter. Criteria: GeneDx Variant Classification Process June 2021. Collection method: clinical testing. Allele origin: germline. Affected: yes.
Comment: Has not been previously published as pathogenic or benign to our knowledge; In silico analysis supports that this missense variant has a deleterious effect on protein structure/function

Revvity Omics, Revvity
Classification: Uncertain significance. Last evaluated: 2019-06-12. Review status: criteria provided, single submitter. Criteria: ACMG Guidelines, 2015. Collection method: clinical testing. Allele origin: germline.